The following is an entry in ClinVar:

ClinVar aggregate classification (germline): Pathogenic/Likely pathogenic. Review status: criteria provided, multiple submitters, no conflicts (2 of 4 stars). 5 submissions from 5 submitters: Pathogenic (1); Likely pathogenic (4). Last evaluated 2024-03-01.

Conditions:
Senior-Loken syndrome 7 (SLSN7). Identifiers: Orphanet 3156, MedGen C3150877, MONDO:0013326, OMIM 613615.
Bardet-Biedl syndrome 16 (BBS16). Identifiers: Orphanet 110, MedGen C3889474, MONDO:0014444, OMIM 615993.
Bardet-Biedl syndrome (BBS). Identifiers: Orphanet 110, MedGen C0752166, MONDO:0015229.

Allele frequency attached by ClinVar (database versions not stated): gnomAD exomes below 0.00001; TOPMed below 0.00001.

Submissions (5):

Fulgent Genetics
Classification: Likely pathogenic for Senior-Loken syndrome 7; Bardet-Biedl syndrome 16. Last evaluated: 2024-03-01. Review status: criteria provided, single submitter. Criteria: ACMG Guidelines, 2015. Collection method: clinical testing. Allele origin: germline.

Department of Pathology and Laboratory Medicine, Sinai Health System
Classification: Likely pathogenic for Bardet-Biedl syndrome. Last evaluated: 2023-10-11. Review status: criteria provided, single submitter. Criteria: ACMG Guidelines, 2015. Collection method: research. Allele origin: germline.

Labcorp Genetics (formerly Invitae), Labcorp
Classification: Pathogenic for Bardet-Biedl syndrome 16; Senior-Loken syndrome 7. Last evaluated: 2023-05-08. Review status: criteria provided, single submitter. Criteria: Invitae Variant Classification Sherloc (09022015). Collection method: clinical testing. Allele origin: germline.
Comment: This sequence change creates a premature translational stop signal (p.Glu526Asnfs*42) in the SDCCAG8 gene. It is expected to result in an absent or disrupted protein product. Loss-of-function variants in SDCCAG8 are known to be pathogenic (PMID: 20835237, 22190896). For these reasons, this variant has been classified as Pathogenic. ClinVar contains an entry for this variant (Variation ID: 623227). This variant has not been reported in the literature in individuals affected with SDCCAG8-related conditions. This variant is present in population databases (no rsID available, gnomAD 0.003%).

Molecular Diagnostics Laboratory, M Health Fairview: University of Minnesota
Classification: Likely pathogenic for Senior-Loken syndrome 7. Last evaluated: 2018-06-01. Review status: criteria provided, single submitter. Criteria: ACMG Guidelines, 2015. Collection method: clinical testing. Allele origin: germline. Affected: yes. Observed: 1 variant allele.

Neuberg Centre For Genomic Medicine, NCGM
Classification: Likely pathogenic for Senior-Loken syndrome 7. Review status: criteria provided, single submitter. Criteria: ACMG Guidelines, 2015. Collection method: clinical testing. Allele origin: germline. Affected: yes.
Comment: The frameshift deletion p.E526Nfs*42 in SDCCAG8 (NM_006642.5) has been reported to ClinVar as Likely Pathogenic but no details are available for independent assessment. The p.E526Nfs*42 variant is observed in 1/30,614 (0.0033%) alleles from individuals of South Asian background in gnomAD Exomes and is novel (not in any individuals) in 1000 Genomes but was not seen in the homozygous state. This variant is predicted to cause loss of normal protein function through protein truncation caused a frameshift mutation. Loss of function variants have been reported to be disease causing. For these reasons, this variant has been classified as Likely Pathogenic.

Literature cited by the submitters: PubMed 20835237 (cited by Labcorp Genetics (formerly Invitae), Labcorp); PubMed 22190896 (cited by Labcorp Genetics (formerly Invitae), Labcorp).

NM_006642.5(SDCCAG8):c.1575del (p.Glu526fs)

Gene: SDCCAG8 (SHH signaling and ciliogenesis regulator SDCCAG8; plus strand). Cytogenetic location: 1q43.
Variant type: Deletion.
Coding change: c.1575del on transcript NM_006642.5 (MANE Select); coding-DNA position 1575, one base deleted (A; older notation c.1575delA).
Protein change: p.Glu526fs; shifts the reading frame from glutamic acid 526.
Molecular consequence: frameshift variant.
Genome position (GRCh38, 1-based): chr1:243,378,822, A deleted. VCF-style (leftmost placement, unchanged base first): chr1-243378821-CA-C. GRCh37 (hg19) VCF-style: chr1-243542123-CA-C.
Other names: c.672del, p.Glu225fs (NM_001350246.2, NM_001350247.2, NM_001350251.2); c.1671del, p.Glu558fs (NM_001350248.2); c.1281del, p.Glu428fs (NM_001350249.2); short protein forms E428fs, E558fs, E225fs, E526fs.
Identifiers: ClinVar variation 623227 (VCV000623227.8), dbSNP rs1390963789, ClinGen allele CA529965907.